The following is an entry in ClinVar:

ClinVar aggregate classification (germline): Benign/Likely benign. Review status: criteria provided, multiple submitters, no conflicts (2 of 4 stars). 2 submissions from 2 submitters: Benign (1); Likely benign (1). Last evaluated 2024-11-15.

Conditions:
Hereditary cancer-predisposing syndrome. Also called: Neoplastic Syndromes, Hereditary; Tumor predisposition; Hereditary neoplastic syndrome; Hereditary Cancer Syndrome. Identifiers: Orphanet 140162, MedGen C0027672, MeSH D009386, MONDO:0015356.
Papillary renal cell carcinoma type 1 (RCCP1). Also called: RENAL CELL CARCINOMA, PAPILLARY, 1, SOMATIC; Renal adenocarcinoma; Renal cell carcinoma 1; Renal cell carcinoma, somatic. Identifiers: Orphanet 47044, MedGen C1336839, OMIM 605074, HP:0011797.

Allele frequency attached by ClinVar (database versions not stated): gnomAD exomes below 0.00001.
gnomAD v4.1: 1 of 1,614,046 alleles (0.000062%); highest among the groups gnomAD compares: Non-Finnish European, 0.000085%; no homozygotes.

Submissions (2):

Myriad Genetics, Inc.
Classification: Benign for Papillary renal cell carcinoma type 1. Last evaluated: 2024-11-15. Review status: criteria provided, single submitter. Criteria: Myriad Autosomal Dominant, Autosomal Recessive and X-Linked Classification Criteria (2023). Collection method: clinical testing. Allele origin: unknown.
Comment: This variant is considered benign. This variant is a silent/synonymous amino acid change and it is not expected to impact splicing.

Ambry Genetics
Classification: Likely benign for Hereditary cancer-predisposing syndrome. Last evaluated: 2023-10-08. Review status: criteria provided, single submitter. Criteria: Ambry Variant Classification Scheme 2023. Collection method: clinical testing. Allele origin: germline.

NM_000245.4(MET):c.4101T>C (p.Ser1367=)

Gene: MET (MET proto-oncogene, receptor tyrosine kinase; plus strand). Cytogenetic location: 7q31.2.
Variant type: single nucleotide variant.
Coding change: c.4101T>C on transcript NM_000245.4 (MANE Select); coding-DNA position 4101, T replaced by C.
Protein change: p.Ser1367=; no amino-acid change (serine 1367 retained).
Molecular consequence: synonymous variant.
Genome position (GRCh38, 1-based): chr7:116,796,052, T>C. VCF-style: chr7-116796052-T-C. GRCh37 (hg19) VCF-style: chr7-116436106-T-C.
Other names: c.4155T>C, p.Ser1385= (NM_001127500.3); c.2811T>C, p.Ser937= (NM_001324402.2).
Identifiers: ClinVar variation 3232996 (VCV003232996.2), dbSNP rs2117112965, ClinGen allele CA457462655.